The following is an entry in ClinVar:

NM_000383.4(AIRE):c.619G>T (p.Glu207Ter)

Gene: AIRE (autoimmune regulator; plus strand). Cytogenetic location: 21q22.3.
Variant type: single nucleotide variant.
Coding change: c.619G>T on transcript NM_000383.4 (MANE Select); coding-DNA position 619, G replaced by T.
Protein change: p.Glu207Ter; replaces glutamic acid 207 with a stop codon.
Molecular consequence: nonsense.
Genome position (GRCh38, 1-based): chr21:44,288,425, G>T. VCF-style: chr21-44288425-G-T. GRCh37 (hg19) VCF-style: chr21-45708308-G-T.
Other names: short protein forms E207*.
Identifiers: ClinVar variation 1725207 (VCV001725207.2), dbSNP rs745459635, ClinGen allele CA410424213.

ClinVar aggregate classification (germline): Likely pathogenic (1 of 4 stars; one submission).

Conditions:
Polyglandular autoimmune syndrome, type 1 (APS1). Also called: HYPOADRENOCORTICISM WITH HYPOPARATHYROIDISM AND SUPERFICIAL MONILIASIS; Whitaker syndrome; AUTOIMMUNE POLYENDOCRINE SYNDROME, TYPE I, WITH OR WITHOUT REVERSIBLE METAPHYSEAL DYSPLASIA; Autoimmune polyendocrine syndrome type 1; APS I; Autoimmune polyendocrinopathy syndrome, type I. Identifiers: Orphanet 3453, MedGen C0085859, MONDO:0009411, OMIM 240300.

Submission:

Myriad Genetics, Inc.
Classification: Likely pathogenic for Polyglandular autoimmune syndrome, type 1. Last evaluated: 2022-03-14. Review status: criteria provided, single submitter. Criteria: Myriad Women's Health Autosomal Recessive and X-Linked Classification Criteria (2021). Collection method: clinical testing. Allele origin: unknown.
Comment: NM_000383.3(AIRE):c.619G>T(E207*) is expected to be pathogenic in the context of autoimmune polyglandular syndrome type 1. This variant is predicted to lead to an abnormal or absent protein product due to the creation of a premature termination codon in AIRE, a gene where loss-of-function variants are known to be pathogenic. Please note: this variant was assessed in the context of healthy population screening.